The following is an entry in ClinVar:

ClinVar aggregate classification (germline): Uncertain significance (1 of 4 stars; one submission).

Submission:

GeneDx
Classification: Uncertain significance. Last evaluated: 2025-09-08. Review status: criteria provided, single submitter. Criteria: GeneDx Variant Classification Process June 2021. Collection method: clinical testing. Allele origin: germline. Affected: yes.
Comment: Not observed at significant frequency in large population cohorts (gnomAD); In silico analysis suggests that this variant does not alter splicing; Has not been previously published as pathogenic or benign to our knowledge

NM_004100.5(EYA4):c.371-11del

Gene: EYA4 (EYA transcriptional coactivator and phosphatase 4; plus strand). Cytogenetic location: 6q23.2.
Variant type: Deletion.
Coding change: c.371-11del on transcript NM_004100.5 (MANE Select); 11 bases into the intron before coding-DNA position 371, one base deleted (G; older notation c.371-11delG).
Molecular consequence: intron variant.
Genome position (GRCh38, 1-based): chr6:133,461,103, G deleted. VCF-style (leftmost placement, unchanged base first): chr6-133461102-TG-T. GRCh37 (hg19) VCF-style: chr6-133782240-TG-T.
Other names: c.371-11del (NM_001301013.2, NM_172105.4); c.302-11del (NM_001370458.1, NM_172103.4); c.209-11del (NM_001370459.1, NM_001301012.2).
Identifiers: ClinVar variation 4813262 (VCV004813262.1).